The following is an entry in ClinVar:

ClinVar aggregate classification (germline): Uncertain significance (1 of 4 stars; one submission).

Conditions:
Joubert syndrome 21 (JBTS21). Identifiers: MedGen C3810212, MONDO:0014288, OMIM 615636.

Submission:

Labcorp Genetics (formerly Invitae), Labcorp
Classification: Uncertain significance for Joubert syndrome 21. Last evaluated: 2021-12-01. Review status: criteria provided, single submitter. Criteria: Invitae Variant Classification Sherloc (09022015). Collection method: clinical testing. Allele origin: germline.
Comment: In summary, the available evidence is currently insufficient to determine the role of this variant in disease. Therefore, it has been classified as a Variant of Uncertain Significance. Variants that disrupt the consensus splice site are a relatively common cause of aberrant splicing (PMID: 17576681, 9536098). Algorithms developed to predict the effect of sequence changes on RNA splicing suggest that this variant may disrupt the consensus splice site. This variant has not been reported in the literature in individuals affected with CSPP1-related conditions. This variant is not present in population databases (gnomAD no frequency). This sequence change falls in intron 18 of the CSPP1 gene. It does not directly change the encoded amino acid sequence of the CSPP1 protein. It affects a nucleotide within the consensus splice site.

Literature cited by the submitters: PubMed 17576681; PubMed 9536098.

NM_001382391.1(CSPP1):c.2391+3A>T

Gene: CSPP1 (centrosome and spindle pole associated protein 1; plus strand). Cytogenetic location: 8q13.2.
Variant type: single nucleotide variant.
Coding change: c.2391+3A>T on transcript NM_001382391.1 (MANE Select); 3 bases into the intron after coding-DNA position 2391, A replaced by T.
Molecular consequence: intron variant.
Genome position (GRCh38, 1-based): chr8:67,158,599, A>T. VCF-style: chr8-67158599-A-T. GRCh37 (hg19) VCF-style: chr8-68070834-A-T.
Other names: c.1341+3A>T (NM_001291339.2); c.2196+3A>T (NM_001363132.2); c.2310+3A>T (NM_001363131.2); c.2115+3A>T (NM_001363133.2); c.2457+3A>T (NM_001364869.1); c.2376+3A>T (NM_024790.7, NM_001438331.1); c.2223+3A>T (NM_001438330.1); c.2277+3A>T (NM_001364870.1); and 1 more.
Identifiers: ClinVar variation 1395962 (VCV001395962.6), dbSNP rs1338097590, ClinGen allele CA2573143229.